The following is an entry in ClinVar:

ClinVar aggregate classification (germline): Likely pathogenic (1 of 4 stars; one submission).

Conditions:
Autosomal recessive nonsyndromic hearing loss 84B. Also called: Deafness, autosomal recessive 84b. Identifiers: Orphanet 90636, MedGen C3554159, MONDO:0013984, OMIM 614944.

gnomAD v4.1: 7 of 1,606,270 alleles (0.00044%); highest among the groups gnomAD compares: East Asian, 0.009%; no homozygotes.

Submission:

Juno Genomics, Hangzhou Juno Genomics, Inc
Classification: Likely pathogenic for Autosomal recessive nonsyndromic hearing loss 84B. Review status: criteria provided, single submitter. Criteria: ACMG Guidelines, 2015. Collection method: clinical testing. Allele origin: germline.
Comment: Null variant in a gene where loss of function (LOF) is a known mechanism of disease.;Absent from controls (or at extremely low frequency if recessive) in Genome Aggregation Database.

NM_001378609.3(OTOGL):c.3607+1G>T

Gene: OTOGL (otogelin like; plus strand). Cytogenetic location: 12q21.31.
Variant type: single nucleotide variant.
Coding change: c.3607+1G>T on transcript NM_001378609.3 (MANE Select); the canonical splice donor site of the intron after coding-DNA position 3607, G replaced by T.
Molecular consequence: splice donor variant.
Genome position (GRCh38, 1-based): chr12:80,313,633, G>T. VCF-style: chr12-80313633-G-T. GRCh37 (hg19) VCF-style: chr12-80707413-G-T.
Other names: c.3472+1G>T (NM_001368062.3); c.3607+1G>T (NM_001378610.3, NM_173591.7).
Identifiers: ClinVar variation 5005166 (VCV005005166.2).